The following is an entry in ClinVar:

ClinVar aggregate classification (germline): Uncertain significance. Review status: criteria provided, multiple submitters, no conflicts (2 of 4 stars). 3 submissions from 3 submitters: Uncertain significance (3). Last evaluated 2025-06-16.

Conditions:
RYR1-related disorder. Also called: RYR1-related condition; RYR1-related disorders. Identifiers: MedGen CN239331.

Allele frequency attached by ClinVar (database versions not stated): TOPMed 0.00001.
gnomAD v4.1: 5 of 1,614,212 alleles (0.00031%); highest among the groups gnomAD compares: East Asian, 0.011%; no homozygotes.

Submissions (3):

Women's Health and Genetics/Laboratory Corporation of America, LabCorp
Classification: Uncertain significance. Last evaluated: 2025-06-16. Review status: criteria provided, single submitter. Criteria: LabCorp Variant Classification Summary - May 2015. Collection method: clinical testing. Allele origin: germline.
Comment: Variant summary: RYR1 c.1001G>T (p.Gly334Val) results in a non-conservative amino acid change in the encoded protein sequence. Algorithms developed to predict the effect of missense changes on protein structure and function all suggest that this variant is likely to be disruptive. The variant allele was found at a frequency of 4e-06 in 251406 control chromosomes (gnomAD). The available data on variant occurrences in the general population are insufficient to allow any conclusion about variant significance. c.1001G>T has been observed in individuals affected with clinical features of RYR1-related disorders (Noll_2016, Nishikawa_2016). These reports do not provide unequivocal conclusions about association of the variant with Congenital multicore myopathy with external ophthalmoplegia. To our knowledge, no experimental evidence demonstrating an impact on protein function has been reported. The following publications have been ascertained in the context of this evaluation (PMID: 27600705, 29263817). ClinVar contains an entry for this variant (Variation ID: 159825). Based on the evidence outlined above, the variant was classified as uncertain significance.

Labcorp Genetics (formerly Invitae), Labcorp
Classification: Uncertain significance for RYR1-related disorder. Last evaluated: 2024-02-24. Review status: criteria provided, single submitter. Criteria: Invitae Variant Classification Sherloc (09022015). Collection method: clinical testing. Allele origin: germline.
Comment: This sequence change replaces glycine, which is neutral and non-polar, with valine, which is neutral and non-polar, at codon 334 of the RYR1 protein (p.Gly334Val). This variant is present in population databases (rs587784371, gnomAD 0.006%). This missense change has been observed in individual(s) with clinical features of RYR1-related disease (PMID: 29263817). ClinVar contains an entry for this variant (Variation ID: 159825). Advanced modeling of protein sequence and biophysical properties (such as structural, functional, and spatial information, amino acid conservation, physicochemical variation, residue mobility, and thermodynamic stability) performed at Invitae indicates that this missense variant is expected to disrupt RYR1 protein function with a positive predictive value of 95%. In summary, the available evidence is currently insufficient to determine the role of this variant in disease. Therefore, it has been classified as a Variant of Uncertain Significance.

Genetic Services Laboratory, University of Chicago
Classification: Uncertain significance. Last evaluated: 2013-10-23. Review status: criteria provided, single submitter. Criteria: ACMG Guidelines, 2007. Collection method: clinical testing. Allele origin: germline. Inheritance: Autosomal unknown.

Literature cited by the submitters: PubMed 29263817 (cited by Women's Health and Genetics/Laboratory Corporation of America, LabCorp and Labcorp Genetics (formerly Invitae), Labcorp); PubMed 27600705 (cited by Women's Health and Genetics/Laboratory Corporation of America, LabCorp).

NM_000540.3(RYR1):c.1001G>T (p.Gly334Val)

Gene: RYR1 (ryanodine receptor 1; plus strand). Cytogenetic location: 19q13.2.
Variant type: single nucleotide variant.
Coding change: c.1001G>T on transcript NM_000540.3 (MANE Select); coding-DNA position 1001, G replaced by T.
Protein change: p.Gly334Val; replaces glycine 334 with valine.
Molecular consequence: missense variant.
Genome position (GRCh38, 1-based): chr19:38,448,692, G>T. VCF-style: chr19-38448692-G-T. GRCh37 (hg19) VCF-style: chr19-38939332-G-T.
Other names: c.1001G>T, p.Gly334Val (NM_001042723.2); short protein forms G334V.
Identifiers: ClinVar variation 159825 (VCV000159825.11), dbSNP rs587784371, ClinGen allele CA023807.
Genomic context (GRCh38, chr19:38,448,692, plus strand): 5'-GTCCCCTGCCCCTGTAGGAGAAGCTGGATGTGGCCCCCAAGCGGGATGTGGAGGGCATGG[G>T]CCCCCCTGAGATCAAGTACGGGGAGTCACTGTGCTTCGTGCAGCATGTGGCCTCAGGACT-3'
Protein context (NP_000531.2, residues 324-344): VAPKRDVEGM[Gly334Val]PPEIKYGESL